The following is an entry in ClinVar:

ClinVar aggregate classification (germline): Likely benign. Review status: criteria provided, multiple submitters, no conflicts (2 of 4 stars). 2 submissions from 2 submitters: Likely benign (2). Last evaluated 2025-10-20.

Allele frequency attached by ClinVar (database versions not stated): gnomAD 0.00006 and 0.00007; ExAC 0.00009; gnomAD exomes 0.00010 and 0.00021; TOPMed 0.00011; ESP Exome Variant Server 0.00031.
gnomAD v4.1: 318 of 1,613,736 alleles (0.02%); highest among the groups gnomAD compares: Non-Finnish European, 0.026%; no homozygotes.

Submissions (2):

Labcorp Genetics (formerly Invitae), Labcorp
Classification: Likely benign. Last evaluated: 2025-10-20. Review status: criteria provided, single submitter. Criteria: Invitae Variant Classification Sherloc (09022015). Collection method: clinical testing. Allele origin: germline.

CeGaT Center for Human Genetics Tuebingen
Classification: Likely benign. Last evaluated: 2024-03-01. Review status: criteria provided, single submitter. Criteria: CeGaT Center For Human Genetics Tuebingen Variant Classification Criteria Version 2. Collection method: clinical testing. Allele origin: germline. Affected: yes. Observed: 1 variant allele.
Comment: CAMK2B: BP4

NM_001220.5(CAMK2B):c.342-6C>T

Gene: CAMK2B (calcium/calmodulin dependent protein kinase II beta; minus strand). Cytogenetic location: 7p13.
Variant type: single nucleotide variant.
Coding change: c.342-6C>T on transcript NM_001220.5 (MANE Select); 6 bases into the intron before coding-DNA position 342, C replaced by T.
Molecular consequence: intron variant.
Genome position (GRCh38, 1-based): chr7:44,247,198, G>A on the plus strand (C>T on the coding strand, the complement: CAMK2B is on the minus strand). VCF-style: chr7-44247198-G-A. GRCh37 (hg19) VCF-style: chr7-44286797-G-A.
Other names: c.342-6C>T (NM_172084.3, NM_172080.3, NM_172083.3 and 5 more transcripts).
Identifiers: ClinVar variation 1606682 (VCV001606682.30), dbSNP rs375364904, ClinGen allele CA4240736.